The following is an entry in ClinVar:

ClinVar aggregate classification (germline): Uncertain significance (1 of 4 stars; one submission).

Conditions:
Rhabdoid tumor predisposition syndrome 2 (RTPS2). Identifiers: Orphanet 231108, Orphanet 69077, MedGen C2750074, MONDO:0013224, OMIM 613325.

Allele frequency attached by ClinVar (database versions not stated): gnomAD exomes below 0.00001.
gnomAD v4.1: 2 of 1,613,770 alleles (0.00012%); highest among the groups gnomAD compares: Non-Finnish European, 0.00017%; no homozygotes.

Submission:

Labcorp Genetics (formerly Invitae), Labcorp
Classification: Uncertain significance for Rhabdoid tumor predisposition syndrome 2. Last evaluated: 2023-11-24. Review status: criteria provided, single submitter. Criteria: Invitae Variant Classification Sherloc (09022015). Collection method: clinical testing. Allele origin: germline.
Comment: This sequence change replaces proline, which is neutral and non-polar, with serine, which is neutral and polar, at codon 691 of the SMARCA4 protein (p.Pro691Ser). This variant is not present in population databases (gnomAD no frequency). This variant has not been reported in the literature in individuals affected with SMARCA4-related conditions. Advanced modeling of protein sequence and biophysical properties (such as structural, functional, and spatial information, amino acid conservation, physicochemical variation, residue mobility, and thermodynamic stability) performed at Invitae indicates that this missense variant is not expected to disrupt SMARCA4 protein function with a negative predictive value of 95%. In summary, the available evidence is currently insufficient to determine the role of this variant in disease. Therefore, it has been classified as a Variant of Uncertain Significance.

NM_003072.5(SMARCA4):c.2071C>T (p.Pro691Ser)

Gene: SMARCA4 (SWI/SNF related BAF chromatin remodeling complex subunit ATPase 4; plus strand). Cytogenetic location: 19p13.2.
Variant type: single nucleotide variant.
Coding change: c.2071C>T on transcript NM_003072.5 (MANE Select); coding-DNA position 2071, C replaced by T.
Protein change: p.Pro691Ser; replaces proline 691 with serine.
Molecular consequence: missense variant. On other transcripts: non-coding transcript variant (1).
Genome position (GRCh38, 1-based): chr19:11,007,971, C>T. VCF-style: chr19-11007971-C-T. GRCh37 (hg19) VCF-style: chr19-11118647-C-T.
Other names: c.2071C>T, p.Pro691Ser (NM_001128844.3, NM_001128845.2, NM_001128846.2 and 6 more transcripts); short protein forms P691S.
Identifiers: ClinVar variation 3015808 (VCV003015808.3), dbSNP rs1600168175, ClinGen allele CA404052513.